The following is an entry in ClinVar:

ClinVar aggregate classification (germline): Uncertain significance (1 of 4 stars; one submission).

Conditions:
Seizures, benign familial infantile, 3 (BFIS3). Also called: Familial neonatal seizures; CONVULSIONS, BENIGN FAMILIAL INFANTILE, 3. Identifiers: Orphanet 140927, Orphanet 306, MedGen C1843140, MONDO:0011904, OMIM 607745.
Developmental and epileptic encephalopathy, 11 (DEE11). Also called: Early infantile epileptic encephalopathy 11. Identifiers: Orphanet 1934, MedGen C3150987, MONDO:0013388, OMIM 613721.

Submission:

Labcorp Genetics (formerly Invitae), Labcorp
Classification: Uncertain significance for Seizures, benign familial infantile, 3; Developmental and epileptic encephalopathy, 11. Last evaluated: 2020-11-28. Review status: criteria provided, single submitter. Criteria: Invitae Variant Classification Sherloc (09022015). Collection method: clinical testing. Allele origin: germline.
Comment: In summary, the available evidence is currently insufficient to determine the role of this variant in disease. Therefore, it has been classified as a Variant of Uncertain Significance. Algorithms developed to predict the effect of missense changes on protein structure and function are either unavailable or do not agree on the potential impact of this missense change (SIFT: "Deleterious"; PolyPhen-2: "Benign"; Align-GVGD: "Class C0"). This variant has not been reported in the literature in individuals with SCN2A-related conditions. This variant is not present in population databases (ExAC no frequency). This sequence change replaces glycine with alanine at codon 1484 of the SCN2A protein (p.Gly1484Ala). The glycine residue is weakly conserved and there is a small physicochemical difference between glycine and alanine.

NM_001040142.2(SCN2A):c.4451G>C (p.Gly1484Ala)

Gene: SCN2A (sodium voltage-gated channel alpha subunit 2; plus strand). Cytogenetic location: 2q24.3.
Variant type: single nucleotide variant.
Coding change: c.4451G>C on transcript NM_001040142.2 (MANE Select); coding-DNA position 4451, G replaced by C.
Protein change: p.Gly1484Ala; replaces glycine 1484 with alanine.
Molecular consequence: missense variant.
Genome position (GRCh38, 1-based): chr2:165,381,097, G>C. VCF-style: chr2-165381097-G-C. GRCh37 (hg19) VCF-style: chr2-166237607-G-C.
Other names: c.4451G>C, p.Gly1484Ala (NM_001040143.2, NM_001371246.1, NM_001371247.1 and 1 more transcripts); short protein forms G1484A.
Identifiers: ClinVar variation 1352154 (VCV001352154.8), dbSNP rs2105385669, ClinGen allele CA349034514.